The following is an entry in ClinVar:

ClinVar aggregate classification (germline): Uncertain significance (1 of 4 stars; one submission).

Conditions:
Oligodontia-cancer predisposition syndrome. Also called: TOOTH AGENESIS-COLORECTAL CANCER SYNDROME. Identifiers: Orphanet 300576, MedGen C1837750, MONDO:0012075, OMIM 608615. Disease mechanism: loss of function.

Submission:

Labcorp Genetics (formerly Invitae), Labcorp
Classification: Uncertain significance for Oligodontia-cancer predisposition syndrome. Last evaluated: 2018-05-01. Review status: criteria provided, single submitter. Criteria: Invitae Variant Classification Sherloc (09022015). Collection method: clinical testing. Allele origin: germline.
Comment: In summary, the available evidence is currently insufficient to determine the role of this variant in disease. Therefore, it has been classified as a Variant of Uncertain Significance. Algorithms developed to predict the effect of missense changes on protein structure and function do not agree on the potential impact of this missense change (SIFT: "Tolerated"; PolyPhen-2: "Possibly Damaging"; Align-GVGD: "Class C0"). This variant has not been reported in the literature in individuals with AXIN2-related disease. ClinVar contains an entry for this variant (Variation ID: 408856). This variant is not present in population databases (ExAC no frequency). This sequence change replaces serine with arginine at codon 329 of the AXIN2 protein (p.Ser329Arg). The serine residue is highly conserved and there is a moderate physicochemical difference between serine and arginine.

NM_004655.4(AXIN2):c.985A>C (p.Ser329Arg)

Gene: AXIN2 (axin 2; minus strand). Cytogenetic location: 17q24.1.
Variant type: single nucleotide variant.
Coding change: c.985A>C on transcript NM_004655.4 (MANE Select); coding-DNA position 985, A replaced by C.
Protein change: p.Ser329Arg; replaces serine 329 with arginine.
Molecular consequence: missense variant.
Genome position (GRCh38, 1-based): chr17:65,541,529, T>G on the plus strand (A>C on the coding strand, the complement: AXIN2 is on the minus strand). VCF-style: chr17-65541529-T-G. GRCh37 (hg19) VCF-style: chr17-63537647-T-G.
Other names: c.985A>C (LRG_296t1); c.985A>C, p.Ser329Arg (NM_001363813.1); short protein forms S329R.
Identifiers: ClinVar variation 408856 (VCV000408856.8), dbSNP rs763931522, ClinGen allele CA16615614.